The following is an entry in ClinVar:

NM_001346022.3(USP45):c.1327C>T (p.Arg443Ter)

Gene: USP45 (ubiquitin specific peptidase 45; minus strand). Cytogenetic location: 6q16.2.
Variant type: single nucleotide variant.
Coding change: c.1327C>T on transcript NM_001346022.3 (MANE Select); coding-DNA position 1327, C replaced by T.
Protein change: p.Arg443Ter; replaces arginine 443 with a stop codon.
Molecular consequence: nonsense. On other transcripts: non-coding transcript variant (1).
Genome position (GRCh38, 1-based): chr6:99,446,445, G>A on the plus strand (C>T on the coding strand, the complement: USP45 is on the minus strand). VCF-style: chr6-99446445-G-A. GRCh37 (hg19) VCF-style: chr6-99894321-G-A.
Other names: c.1327C>T, p.Arg443Ter (NM_001080481.3, NM_001346021.3, NM_001346026.3); c.1324C>T, p.Arg442Ter (NM_001346023.3); c.1153C>T, p.Arg385Ter (NM_001346024.3); c.1150C>T, p.Arg384Ter (NM_001346025.3); c.247C>T, p.Arg83Ter (NM_001346027.3, NM_001346028.3, NM_001346029.3); short protein forms R384*, R385*, R442*, R443*, R83*.
Identifiers: ClinVar variation 2443296 (VCV002443296.4), dbSNP rs138328980, ClinGen allele CA3935299.
Genomic context (GRCh38, chr6:99,446,445, plus strand): 5'-GGTTTTCATTTTTCTGGTATGTGACAGTTTCTCCAGATGACAATTTTCTAATACATTTTC[G>A]GTCATGAATTAGTTGACTCTGTAAGTTGACAGTGTTTTCAAAGAAAAGAGTCTTGTAACC-3'

ClinVar aggregate classification (germline): Conflicting classifications of pathogenicity. Review status: criteria provided, conflicting classifications (1 of 4 stars). 2 submissions from 2 submitters: Likely pathogenic (1); Uncertain significance (1). Last evaluated 2025-09-04.

Conditions:
Leber congenital amaurosis 19. Identifiers: MedGen C5193139, MONDO:0032794, OMIM 618513.

Allele frequency attached by ClinVar (database versions not stated): ExAC 0.00070; gnomAD exomes 0.00021; ESP Exome Variant Server 0.00138; gnomAD 0.00184; 1000 Genomes Project 0.00200; 1000 Genomes Project 30x 0.00219.
gnomAD v4.1: 595 of 1,612,560 alleles (0.037%); highest among the groups gnomAD compares: African/African-American, 0.64%; 1 homozygote.

Submissions (2):

Genetic Services Laboratory, University of Chicago
Classification: Uncertain significance. Last evaluated: 2025-09-04. Review status: criteria provided, single submitter. Criteria: ACMG Guidelines, 2015. Collection method: clinical testing. Allele origin: germline.
Comment: DNA sequence analysis of the USP45 gene demonstrated a sequence change, c.1327C>T in exon 14, which results in the creation of a premature stop codon at amino acid position 443, p.Arg443*. This sequence change does not appear to have been previously described in individuals with USP45-related disorders. This sequence change is predicted to result in an abnormal transcript, which may be degraded, or may lead to the production of a truncated USP45 protein with potentially abnormal function. This sequence change has been described in the gnomAD database with a frequency of 0.58% in the African subpopulation, and 0.069% overall allele frequency (dbSNP rs138328980). Due to the limited information on pathogenic variants in this gene, the high population frequency, and lack of functional studies, the clinical significance of the p.Arg443* change remains unknown at this time.

First Genomix Gene Laboratory, Genetic Diagnostics Department
Classification: Likely pathogenic for Leber congenital amaurosis 19. Last evaluated: 2025-05-08. Review status: criteria provided, single submitter. Criteria: ACMG Guidelines, 2015. Collection method: clinical testing. Allele origin: germline. Inheritance: Autosomal recessive inheritance. Affected: no. Observed: 1 variant allele.